The following is an entry in ClinVar:

NM_003823.4(TNFRSF6B):c.236C>T (p.Thr79Met)

Genes: RTEL1-TNFRSF6B (RTEL1-TNFRSF6B readthrough (NMD candidate); plus strand), TNFRSF6B (TNF receptor superfamily member 6b; plus strand). Cytogenetic location: 20q13.33.
Variant type: single nucleotide variant.
Coding change: c.236C>T on transcript NM_003823.4 (MANE Select); coding-DNA position 236, C replaced by T.
Protein change: p.Thr79Met; replaces threonine 79 with methionine.
Molecular consequence: missense variant. On other transcripts: non-coding transcript variant (1).
Genome position (GRCh38, 1-based): chr20:63,697,003, C>T. VCF-style: chr20-63697003-C-T. GRCh37 (hg19) VCF-style: chr20-62328356-C-T.
Other names: c.236C>T (NM_003823.3); short protein forms T79M.
Identifiers: ClinVar variation 3619467 (VCV003619467.3).

ClinVar aggregate classification (germline): Uncertain significance. Review status: criteria provided, multiple submitters, no conflicts (2 of 4 stars). 2 submissions from 2 submitters: Uncertain significance (2). Last evaluated 2025-08-21.

Submissions (2):

Ambry Genetics
Classification: Uncertain significance. Last evaluated: 2025-08-21. Review status: criteria provided, single submitter. Criteria: Ambry Variant Classification Scheme 2023. Collection method: clinical testing. Allele origin: germline.

Labcorp Genetics (formerly Invitae), Labcorp
Classification: Uncertain significance. Last evaluated: 2025-02-04. Review status: criteria provided, single submitter. Criteria: Invitae Variant Classification Sherloc (09022015). Collection method: clinical testing. Allele origin: germline.
Comment: This sequence change replaces threonine, which is neutral and polar, with methionine, which is neutral and non-polar, at codon 79 of the TNFRSF6B protein (p.Thr79Met). The frequency data for this variant in the population databases is considered unreliable, as metrics indicate poor data quality at this position in the gnomAD database. This variant has not been reported in the literature in individuals affected with TNFRSF6B-related conditions. An algorithm developed to predict the effect of missense changes on protein structure and function (PolyPhen-2) suggests that this variant is likely to be disruptive. In summary, the available evidence is currently insufficient to determine the role of this variant in disease. Therefore, it has been classified as a Variant of Uncertain Significance.